The following is an entry in ClinVar:

NM_016824.5(ADD3):c.1829-4G>A

Gene: ADD3 (adducin 3; plus strand). Cytogenetic location: 10q25.2.
Variant type: single nucleotide variant.
Coding change: c.1829-4G>A on transcript NM_016824.5 (MANE Select); 4 bases into the intron before coding-DNA position 1829, G replaced by A.
Molecular consequence: intron variant.
Genome position (GRCh38, 1-based): chr10:110,133,322, G>A. VCF-style: chr10-110133322-G-A. GRCh37 (hg19) VCF-style: chr10-111893080-G-A.
Other names: c.1829-4G>A (NM_016824.4, NM_001320591.2, NM_001320592.2 and 1 more transcripts); c.1733-4G>A (NM_019903.5, NM_001121.4); c.1595-4G>A (NM_001320594.2).
Identifiers: ClinVar variation 2056336 (VCV002056336.6), dbSNP rs373955551, ClinGen allele CA5686761.

ClinVar aggregate classification (germline): Likely benign. Review status: criteria provided, single submitter (1 of 4 stars). 2 submissions from 2 submitters: Likely benign (1). 1 of the submissions does not count toward it. Last evaluated 2024-10-17.

Conditions:
ADD3-related disorder. Also called: ADD3-related condition.

Allele frequency attached by ClinVar (database versions not stated): ESP Exome Variant Server 0.00015; ExAC 0.00004; TOPMed 0.00013; gnomAD 0.00014.
gnomAD v4.1: 344 of 1,566,168 alleles (0.022%); highest among the groups gnomAD compares: Non-Finnish European, 0.027%; no homozygotes.

Submissions (2):

Labcorp Genetics (formerly Invitae), Labcorp
Classification: Likely benign. Last evaluated: 2024-10-17. Review status: criteria provided, single submitter. Criteria: Invitae Variant Classification Sherloc (09022015). Collection method: clinical testing. Allele origin: germline.

PreventionGenetics, part of Exact Sciences
Classification: Likely benign for ADD3-related condition. Last evaluated: 2019-05-28. Review status: no assertion criteria provided. Collection method: clinical testing. Allele origin: germline. Not counted in ClinVar's aggregate classification.
Comment: This variant is classified as likely benign based on ACMG/AMP sequence variant interpretation guidelines (Richards et al. 2015 PMID: 25741868, with internal and published modifications).